The following is an entry in ClinVar:

ClinVar aggregate classification (germline): Uncertain significance. Review status: criteria provided, multiple submitters, no conflicts (2 of 4 stars). 2 submissions from 2 submitters: Uncertain significance (2). Last evaluated 2025-08-07.

Conditions:
Hereditary cancer-predisposing syndrome. Also called: Tumor predisposition; Neoplastic Syndromes, Hereditary; Hereditary neoplastic syndrome; Hereditary Cancer Syndrome. Identifiers: Orphanet 140162, MedGen C0027672, MeSH D009386, MONDO:0015356.

Submissions (2):

Labcorp Genetics (formerly Invitae), Labcorp
Classification: Uncertain significance. Last evaluated: 2025-08-07. Review status: criteria provided, single submitter. Criteria: Invitae Variant Classification Sherloc (09022015). Collection method: clinical testing. Allele origin: germline.
Comment: This sequence change replaces glycine, which is neutral and non-polar, with arginine, which is basic and polar, at codon 749 of the MSH3 protein (p.Gly749Arg). This variant is not present in population databases (gnomAD no frequency). This variant has not been reported in the literature in individuals affected with MSH3-related conditions. An algorithm developed to predict the effect of missense changes on protein structure and function (PolyPhen-2) suggests that this variant is likely to be disruptive. In summary, the available evidence is currently insufficient to determine the role of this variant in disease. Therefore, it has been classified as a Variant of Uncertain Significance.

Ambry Genetics
Classification: Uncertain significance for Hereditary cancer-predisposing syndrome. Last evaluated: 2025-08-01. Review status: criteria provided, single submitter. Criteria: Ambry Variant Classification Scheme 2023. Collection method: clinical testing. Allele origin: germline.
Comment: The p.G749R variant (also known as c.2245G>A), located in coding exon 15 of the MSH3 gene, results from a G to A substitution at nucleotide position 2245. The glycine at codon 749 is replaced by arginine, an amino acid with dissimilar properties. This amino acid position is conserved. In addition, this alteration is predicted to be deleterious by in silico analysis. Based on the available evidence, the clinical significance of this variant remains unclear.

NM_002439.5(MSH3):c.2245G>A (p.Gly749Arg)

Gene: MSH3 (mutS homolog 3; plus strand). Cytogenetic location: 5q14.1.
Variant type: single nucleotide variant.
Coding change: c.2245G>A on transcript NM_002439.5 (MANE Select); coding-DNA position 2245, G replaced by A.
Protein change: p.Gly749Arg; replaces glycine 749 with arginine.
Molecular consequence: missense variant.
Genome position (GRCh38, 1-based): chr5:80,768,995, G>A. VCF-style: chr5-80768995-G-A. GRCh37 (hg19) VCF-style: chr5-80064814-G-A.
Other names: short protein forms G749R.
Identifiers: ClinVar variation 4111066 (VCV004111066.2).